The following is an entry in ClinVar:

ClinVar aggregate classification (germline): Uncertain significance (1 of 4 stars; one submission).

Submission:

Labcorp Genetics (formerly Invitae), Labcorp
Classification: Uncertain significance. Last evaluated: 2025-08-18. Review status: criteria provided, single submitter. Criteria: Invitae Variant Classification Sherloc (09022015). Collection method: clinical testing. Allele origin: germline.
Comment: This sequence change replaces aspartic acid, which is acidic and polar, with glutamic acid, which is acidic and polar, at codon 140 of the APOA4 protein (p.Asp140Glu). This variant is not present in population databases (gnomAD no frequency). This variant has not been reported in the literature in individuals affected with APOA4-related conditions. Invitae Evidence Modeling of protein sequence and biophysical properties (such as structural, functional, and spatial information, amino acid conservation, physicochemical variation, residue mobility, and thermodynamic stability) indicates that this missense variant is not expected to disrupt APOA4 protein function with a negative predictive value of 80%. In summary, the available evidence is currently insufficient to determine the role of this variant in disease. Therefore, it has been classified as a Variant of Uncertain Significance.

NM_000482.4(APOA4):c.420C>A (p.Asp140Glu)

Gene: APOA4 (apolipoprotein A4; minus strand). Cytogenetic location: 11q23.3.
Variant type: single nucleotide variant.
Coding change: c.420C>A on transcript NM_000482.4 (MANE Select); coding-DNA position 420, C replaced by A.
Protein change: p.Asp140Glu; replaces aspartic acid 140 with glutamic acid.
Molecular consequence: missense variant.
Genome position (GRCh38, 1-based): chr11:116,821,638, G>T on the plus strand (C>A on the coding strand, the complement: APOA4 is on the minus strand). VCF-style: chr11-116821638-G-T. GRCh37 (hg19) VCF-style: chr11-116692354-G-T.
Other names: short protein forms D140E.
Identifiers: ClinVar variation 4777846 (VCV004777846.1).